The following is an entry in ClinVar:

ClinVar aggregate classification (germline): Benign/Likely benign. Review status: criteria provided, multiple submitters, no conflicts (2 of 4 stars). 3 submissions from 3 submitters: Benign (1); Likely benign (2). Last evaluated 2026-07-01.

Allele frequency attached by ClinVar (database versions not stated): gnomAD exomes 0.00019; ExAC 0.00023; 1000 Genomes Project 0.00060; 1000 Genomes Project 30x 0.00062; gnomAD 0.00070 and 0.00078; TOPMed 0.00085; ESP Exome Variant Server 0.00123.
gnomAD v4.1: 268 of 1,614,186 alleles (0.017%); highest among the groups gnomAD compares: African/African-American, 0.22%; no homozygotes.

Submissions (3):

CeGaT Center for Human Genetics Tuebingen
Classification: Likely benign. Last evaluated: 2026-07-01. Review status: criteria provided, single submitter. Criteria: CeGaT Center For Human Genetics Tuebingen Variant Classification Criteria Version 2. Collection method: clinical testing. Allele origin: germline. Affected: yes. Observed: 1 variant allele.
Comment: CAPN5: BP4, BP7

Labcorp Genetics (formerly Invitae), Labcorp
Classification: Benign. Last evaluated: 2025-12-22. Review status: criteria provided, single submitter. Criteria: Invitae Variant Classification Sherloc (09022015). Collection method: clinical testing. Allele origin: germline.

Blueprint Genetics
Classification: Likely benign. Last evaluated: 2024-01-23. Review status: criteria provided, single submitter. Criteria: ACMG Guidelines, 2015. Collection method: clinical testing. Allele origin: germline.

NM_004055.5(CAPN5):c.618C>T (p.Asn206=)

Gene: CAPN5 (calpain 5; plus strand). Cytogenetic location: 11q13.5.
Variant type: single nucleotide variant.
Coding change: c.618C>T on transcript NM_004055.5 (MANE Select); coding-DNA position 618, C replaced by T.
Protein change: p.Asn206=; no amino-acid change (asparagine 206 retained).
Molecular consequence: synonymous variant.
Genome position (GRCh38, 1-based): chr11:77,114,353, C>T. VCF-style: chr11-77114353-C-T. GRCh37 (hg19) VCF-style: chr11-76825399-C-T.
Identifiers: ClinVar variation 1164611 (VCV001164611.11), dbSNP rs145714809, ClinGen allele CA6196492.